The following is an entry in ClinVar:

ClinVar aggregate classification (germline): Pathogenic/Likely pathogenic. Review status: criteria provided, multiple submitters, no conflicts (2 of 4 stars). 2 submissions from 2 submitters: Pathogenic (1); Likely pathogenic (1). Last evaluated 2025-10-10.

Conditions:
Neurofibromatosis, type 1 (NF1). Also called: Peripheral type neurofibromatosis; Neurofibromatosis, type I; NEUROFIBROMATOSIS, TYPE I, SOMATIC; VON RECKLINGHAUSEN DISEASE. Identifiers: Orphanet 636, MedGen C0027831, MONDO:0018975, OMIM 162200. Disease mechanism: loss of function.

Submissions (2):

GeneDx
Classification: Likely pathogenic. Last evaluated: 2025-10-10. Review status: criteria provided, single submitter. Criteria: GeneDx Variant Classification Process June 2021. Collection method: clinical testing. Allele origin: germline. Affected: yes.
Comment: Not observed at significant frequency in large population cohorts (gnomAD); Reported in an individual with a malignant peripheral nerve sheath tumor (PMID: 29625052); In silico analysis supports a deleterious effect on splicing; Also known as IVS28+3_IVS28+6del; This variant is associated with the following publications: (PMID: 36451132, 29625052)

Labcorp Genetics (formerly Invitae), Labcorp
Classification: Pathogenic for Neurofibromatosis, type 1. Last evaluated: 2024-09-17. Review status: criteria provided, single submitter. Criteria: Invitae Variant Classification Sherloc (09022015). Collection method: clinical testing. Allele origin: germline.
Comment: This sequence change falls in intron 36 of the NF1 gene. It does not directly change the encoded amino acid sequence of the NF1 protein. RNA analysis indicates that this variant induces altered splicing and likely results in the loss of 18 amino acid residue(s), but is expected to preserve the integrity of the reading-frame. This variant is present in population databases (rs773428383, gnomAD 0.0009%). This variant has been observed in individual(s) with clinical features of neurofibromatosis type 1 (PMID: 29625052; internal data). In at least one individual the variant was observed to be de novo. ClinVar contains an entry for this variant (Variation ID: 1929509). Variants that disrupt the consensus splice site are a relatively common cause of aberrant splicing (PMID: 17576681, 9536098). Studies have shown that this variant results in the activation of a cryptic splice site in exon 36 (internal data). Other variant(s) that result in the loss of 18 amino acid residue(s) have been determined to be pathogenic (PMID: 12807981, 21354044; internal data). This suggests that this variant may also be clinically significant and likely to be disease-causing. For these reasons, this variant has been classified as Pathogenic.

Literature cited by the submitters: PubMed 29625052 (cited by Labcorp Genetics (formerly Invitae), Labcorp); PubMed 17576681 (cited by Labcorp Genetics (formerly Invitae), Labcorp); PubMed 9536098 (cited by Labcorp Genetics (formerly Invitae), Labcorp); PubMed 12807981 (cited by Labcorp Genetics (formerly Invitae), Labcorp); PubMed 21354044 (cited by Labcorp Genetics (formerly Invitae), Labcorp).

NM_001042492.3(NF1):c.5268+3_5268+6del

Gene: NF1 (neurofibromin 1; plus strand). Cytogenetic location: 17q11.2.
Variant type: Microsatellite.
Coding change: c.5268+3_5268+6del on transcript NM_001042492.3 (MANE Select); bases 3 to 6 of the intron after coding-DNA position 5268, 4 bases deleted (AAGT; older notation c.5268+3_5268+6delAAGT).
Molecular consequence: splice donor variant.
Genome position (GRCh38, 1-based): chr17:31,326,255-31,326,258, AAGT deleted; deleting any 4 consecutive bases within chr17:31,326,251-31,326,258 gives the same sequence; the c. name uses the placement nearest the transcript's 3' end. VCF-style (leftmost placement, unchanged base first): chr17-31326250-AAAGT-A. GRCh37 (hg19) VCF-style: chr17-29653268-AAAGT-A.
Other names: c.5205+3_5205+6del (NM_000267.4).
Identifiers: ClinVar variation 1929509 (VCV001929509.8), dbSNP rs773428383, ClinGen allele CA8487154.